The following is an entry in ClinVar:

NM_001754.5(RUNX1):c.*1213C>G

Gene: RUNX1 (RUNX family transcription factor 1; minus strand). Cytogenetic location: 21q22.12.
Variant type: single nucleotide variant.
Coding change: c.*1213C>G on transcript NM_001754.5 (MANE Select); 1213 bases downstream of the stop codon, C replaced by G.
Molecular consequence: 3 prime UTR variant.
Genome position (GRCh38, 1-based): chr21:34,790,922, G>C on the plus strand (C>G on the coding strand, the complement: RUNX1 is on the minus strand). VCF-style: chr21-34790922-G-C. GRCh37 (hg19) VCF-style: chr21-36163219-G-C.
Other names: c.*1213C>G (NM_001001890.3).
Identifiers: ClinVar variation 339848 (VCV000339848.6), dbSNP rs373491098, ClinGen allele CA10644630.
Genomic context (GRCh38, chr21:34,790,922, plus strand): 5'-ACACAGTTTACTTTGGCTGTGTTCTGTTACACAGCATCTGTGAAATTATCAGATGACCTT[G>C]GGGTGAGCAAATCCCTGGGCAGAAATCAAATCCTCTCCAAAGATGTAATTATTGGCACCT-3'

ClinVar aggregate classification (germline): Uncertain significance. Review status: reviewed by expert panel (3 of 4 stars). 2 submissions from 2 submitters: Uncertain significance (1). 1 of the submissions does not count toward it. Last evaluated 2024-08-12.

Conditions:
Hereditary thrombocytopenia and hematologic cancer predisposition syndrome. Identifiers: Orphanet 71290, MedGen CN281654, MONDO:0011071.
Hereditary thrombocytopenia and hematological cancer predisposition syndrome associated with RUNX1. Also called: PLATELET DISORDER, ASPIRIN-LIKE; RUNX1 Familial Platelet Disorder with Associated Myeloid Malignancies; Familial Platelet Disorder with Propensity to Acute Myelogenous Leukemia; Familial thrombocytopenia with propensity to acute myelogenous leukemia. Identifiers: Orphanet 71290, MedGen C1832388, MeSH C563324, MONDO:0100083, OMIM 601399.

Allele frequency attached by ClinVar (database versions not stated): gnomAD exomes 0.00004; 1000 Genomes Project 30x 0.00078; 1000 Genomes Project 0.00080.
gnomAD v4.1: 7 of 233,590 alleles (0.003%); highest among the groups gnomAD compares: South Asian, 0.13%; no homozygotes.

Submissions (2):

ClinGen Myeloid Malignancy Variant Curation Expert Panel
Classification: Uncertain significance for Hereditary thrombocytopenia and hematologic cancer predisposition syndrome. Last evaluated: 2024-08-12. Review status: reviewed by expert panel. Criteria: ClinGen MyeloMalig ACMG Specifications v2. Collection method: curation. Allele origin: germline. Inheritance: Autosomal dominant inheritance.
Comment: NM_001754.5(RUNX1):c.*1213C>G is an intronic variant which has a SpliceAI of 0.00 (BP4). In summary, the clinical significance of this variant is uncertain. ACMG/AMP criteria applied, as specified by the Myeloid Malignancy Variant Curation Expert Panel for RUNX1: BP4.

Illumina Laboratory Services, Illumina
Classification: Benign for Hereditary thrombocytopenia and hematological cancer predisposition syndrome associated with RUNX1. Last evaluated: 2018-01-12. Review status: criteria provided, single submitter. Criteria: ICSL Variant Classification Criteria 13 December 2019. Collection method: clinical testing. Allele origin: germline. Not counted in ClinVar's aggregate classification.
Comment: This variant was observed in the ICSL laboratory as part of a predisposition screen in an ostensibly healthy population. It had not been previously curated by ICSL or reported in the Human Gene Mutation Database (HGMD: prior to June 1st, 2018), and was therefore a candidate for classification through an automated scoring system. Utilizing variant allele frequency, disease prevalence and penetrance estimates, and inheritance mode, an automated score was calculated to assess if this variant is too frequent to cause the disease. Based on the score and internal cut-off values, a variant classified as benign is not then subjected to further curation. The score for this variant resulted in a classification of benign for this disease.